The following is an entry in ClinVar:

NM_001244008.2(KIF1A):c.4487T>G (p.Leu1496Arg)

Gene: KIF1A (kinesin family member 1A; minus strand). Cytogenetic location: 2q37.3.
Variant type: single nucleotide variant.
Coding change: c.4487T>G on transcript NM_001244008.2 (MANE Select); coding-DNA position 4487, T replaced by G.
Protein change: p.Leu1496Arg; replaces leucine 1496 with arginine.
Molecular consequence: missense variant.
Genome position (GRCh38, 1-based): chr2:240,722,634, A>C on the plus strand (T>G on the coding strand, the complement: KIF1A is on the minus strand). VCF-style: chr2-240722634-A-C. GRCh37 (hg19) VCF-style: chr2-241662051-A-C.
Other names: c.4211T>G, p.Leu1404Arg (NM_001320705.2, NM_001379649.1); c.4238T>G, p.Leu1413Arg (NM_001330289.2); c.4286T>G, p.Leu1429Arg (NM_001330290.2, NM_001379648.1); c.4562T>G, p.Leu1521Arg (NM_001379631.1); c.4463T>G, p.Leu1488Arg (NM_001379632.1); c.4460T>G, p.Leu1487Arg (NM_001379633.1, NM_001379645.1); c.4313T>G, p.Leu1438Arg (NM_001379634.1); c.4310T>G, p.Leu1437Arg (NM_001379635.1, NM_001379646.1); and 7 more; short protein forms L1394R, L1395R, L1403R, L1404R, L1412R, L1413R, L1420R, L1429R.
Identifiers: ClinVar variation 3753694 (VCV003753694.2).

ClinVar aggregate classification (germline): Uncertain significance (1 of 4 stars; one submission).

Conditions:
Neuropathy, hereditary sensory, type 2C. Also called: KIF1A-Related HSAN2 (HSAN2C); Hereditary sensory and autonomic neuropathy type IIC. Identifiers: Orphanet 970, MedGen C3280168, MONDO:0013634, OMIM 614213.
Hereditary spastic paraplegia 30. Identifiers: Orphanet 101010, MedGen C5235139, MONDO:0012476.
Intellectual disability, autosomal dominant 9 (NESCAVS). Also called: KIF1A-Related Neurodevelopmental Disorder; NESCAV SYNDROME. Identifiers: Orphanet 662367, MedGen C5393830, MONDO:0013656, OMIM 614255.

Submission:

Labcorp Genetics (formerly Invitae), Labcorp
Classification: Uncertain significance for Hereditary spastic paraplegia 30; Neuropathy, hereditary sensory, type 2C; Intellectual disability, autosomal dominant 9. Last evaluated: 2024-02-16. Review status: criteria provided, single submitter. Criteria: Invitae Variant Classification Sherloc (09022015). Collection method: clinical testing. Allele origin: germline.
Comment: This sequence change replaces leucine, which is neutral and non-polar, with arginine, which is basic and polar, at codon 1395 of the KIF1A protein (p.Leu1395Arg). This variant is not present in population databases (gnomAD no frequency). This variant has not been reported in the literature in individuals affected with KIF1A-related conditions. Advanced modeling of protein sequence and biophysical properties (such as structural, functional, and spatial information, amino acid conservation, physicochemical variation, residue mobility, and thermodynamic stability) performed at Invitae indicates that this missense variant is not expected to disrupt KIF1A protein function with a negative predictive value of 95%. In summary, the available evidence is currently insufficient to determine the role of this variant in disease. Therefore, it has been classified as a Variant of Uncertain Significance.